The following is an entry in ClinVar:

NM_001280561.2(CATSPERQ):c.203TCA[2] (p.Ile70del)

Gene: CATSPERQ (catsper channel auxiliary subunit theta; minus strand). Cytogenetic location: 8q24.3.
Variant type: Microsatellite.
Coding change: c.203TCA[2] on transcript NM_001280561.2 (MANE Select); two copies in a row of the 3-base unit TCA starting at c.203; the reference has three copies in a row; one copy, 3 bases deleted.
Protein change: p.Ile70del; deletes isoleucine 70.
Molecular consequence: non-coding transcript variant (on NR_047684.3). On other transcripts: intron variant (1).
Genome position (GRCh38, 1-based): chr8:144,354,272-144,354,274, TGA deleted on the plus strand (TCA on the coding strand, the reverse complement: CATSPERQ is on the minus strand); deleting any 3 consecutive bases within chr8:144,354,272-144,354,280 gives the same sequence; the position shown is the placement nearest the transcript's 3' end. VCF-style (leftmost placement, unchanged base first): chr8-144354271-CTGA-C. GRCh37 (hg19) VCF-style: chr8-145577931-CTGA-C.
Other names: c.203TCA[2], p.Ile70del (NM_001252402.3); c.152-131TCA[2] (NM_001252404.3); short protein forms I70del.
Identifiers: ClinVar variation 4681269 (VCV004681269.5).

ClinVar aggregate classification (germline): Likely benign (1 of 4 stars; one submission).

Submission:

CeGaT Center for Human Genetics Tuebingen
Classification: Likely benign. Last evaluated: 2026-03-01. Review status: criteria provided, single submitter. Criteria: CeGaT Center For Human Genetics Tuebingen Variant Classification Criteria Version 2. Collection method: clinical testing. Allele origin: germline. Affected: yes. Observed: 5 variant alleles.
Comment: CATSPERQ: PM4:Supporting, BS2